The following is an entry in ClinVar:

NM_015047.3(EMC1):c.1541G>C (p.Ser514Thr)

Genes: EMC1 (ER membrane protein complex subunit 1; minus strand), EMC1-AS1 (EMC1 antisense RNA 1; plus strand). Cytogenetic location: 1p36.13.
Variant type: single nucleotide variant.
Coding change: c.1541G>C on transcript NM_015047.3 (MANE Select); coding-DNA position 1541, G replaced by C.
Protein change: p.Ser514Thr; replaces serine 514 with threonine.
Molecular consequence: missense variant.
Genome position (GRCh38, 1-based): chr1:19,233,027, C>G on the plus strand (G>C on the coding strand, the complement: EMC1 is on the minus strand). VCF-style: chr1-19233027-C-G. GRCh37 (hg19) VCF-style: chr1-19559521-C-G.
Other names: c.1538G>C, p.Ser513Thr (NM_001271427.2, NM_001271428.2); c.1475G>C, p.Ser492Thr (NM_001271429.2); c.1550G>C, p.Ser517Thr (NM_001375820.1); c.1547G>C, p.Ser516Thr (NM_001375821.1); short protein forms S516T, S514T, S517T, S492T, S513T.
Identifiers: ClinVar variation 2766543 (VCV002766543.3), dbSNP rs2093535654, ClinGen allele CA338762691.

ClinVar aggregate classification (germline): Uncertain significance (1 of 4 stars; one submission).

Submission:

Labcorp Genetics (formerly Invitae), Labcorp
Classification: Uncertain significance. Last evaluated: 2024-12-10. Review status: criteria provided, single submitter. Criteria: Invitae Variant Classification Sherloc (09022015). Collection method: clinical testing. Allele origin: germline.
Comment: This sequence change replaces serine, which is neutral and polar, with threonine, which is neutral and polar, at codon 514 of the EMC1 protein (p.Ser514Thr). This variant is not present in population databases (gnomAD no frequency). This variant has not been reported in the literature in individuals affected with EMC1-related conditions. ClinVar contains an entry for this variant (Variation ID: 2766543). An algorithm developed to predict the effect of missense changes on protein structure and function (PolyPhen-2) suggests that this variant is likely to be disruptive. In summary, the available evidence is currently insufficient to determine the role of this variant in disease. Therefore, it has been classified as a Variant of Uncertain Significance.